The following is an entry in ClinVar:

Conditions:
Long QT syndrome 5 (LQT5). Identifiers: Orphanet 101016, Orphanet 768, MedGen C1867904, MONDO:0013372, OMIM 613695.

Submission:

Roden Lab, Vanderbilt University Medical Center
No classification provided (evidence only). Condition: Long QT syndrome 5. Review status: no classification provided. Collection method: in vitro. Allele origin: not applicable. Functional consequence: Effect on ion channel function.
ClinVar note: "not provided" was previously submitted as the classification for the variant. However, the classification appeared to be based only on an observation of functional data so it was converted to no classification on 2025-07-30.

NM_000219.6(KCNE1):c.113G>T (p.Ser38Ile)

Gene: KCNE1 (potassium voltage-gated channel subfamily E regulatory subunit 1; minus strand). Cytogenetic location: 21q22.12.
Variant type: single nucleotide variant.
Coding change: c.113G>T on transcript NM_000219.6 (MANE Select); coding-DNA position 113, G replaced by T.
Protein change: p.Ser38Ile; replaces serine 38 with isoleucine.
Molecular consequence: missense variant.
Genome position (GRCh38, 1-based): chr21:34,449,522, C>A on the plus strand (G>T on the coding strand, the complement: KCNE1 is on the minus strand). VCF-style: chr21-34449522-C-A. GRCh37 (hg19) VCF-style: chr21-35821820-C-A.
Other names: c.113G>T, p.Ser38Ile (NM_001127668.4, NM_001127669.4, NM_001127670.4 and 4 more transcripts); short protein forms S38I.
Identifiers: ClinVar variation 3374078 (VCV003374078.2).